The following is an entry in ClinVar:

NM_139057.4(ADAMTS17):c.465G>C (p.Gln155His)

Gene: ADAMTS17 (ADAM metallopeptidase with thrombospondin type 1 motif 17; minus strand). Cytogenetic location: 15q26.3.
Variant type: single nucleotide variant.
Coding change: c.465G>C on transcript NM_139057.4 (MANE Select); coding-DNA position 465, G replaced by C.
Protein change: p.Gln155His; replaces glutamine 155 with histidine.
Molecular consequence: missense variant.
Genome position (GRCh38, 1-based): chr15:100,331,040, C>G on the plus strand (G>C on the coding strand, the complement: ADAMTS17 is on the minus strand). VCF-style: chr15-100331040-C-G. GRCh37 (hg19) VCF-style: chr15-100871245-C-G.
Other names: short protein forms Q155H.
Identifiers: ClinVar variation 1313461 (VCV001313461.4), dbSNP rs140993769, ClinGen allele CA7758723.

ClinVar aggregate classification (germline): Uncertain significance. Review status: criteria provided, multiple submitters, no conflicts (2 of 4 stars). 2 submissions from 2 submitters: Uncertain significance (2). Last evaluated 2022-09-12.

Allele frequency attached by ClinVar (database versions not stated): gnomAD 0.00020 and 0.00019; ExAC 0.00021; gnomAD exomes 0.00021 and 0.00024; 1000 Genomes Project 30x 0.00031; 1000 Genomes Project 0.00020; ESP Exome Variant Server 0.00031.
gnomAD v4.1: 329 of 1,614,160 alleles (0.02%); highest among the groups gnomAD compares: Admixed American, 0.075%; no homozygotes.

Submissions (2):

Labcorp Genetics (formerly Invitae), Labcorp
Classification: Uncertain significance. Last evaluated: 2022-09-12. Review status: criteria provided, single submitter. Criteria: Invitae Variant Classification Sherloc (09022015). Collection method: clinical testing. Allele origin: germline.
Comment: This sequence change replaces glutamine, which is neutral and polar, with histidine, which is basic and polar, at codon 155 of the ADAMTS17 protein (p.Gln155His). This variant is present in population databases (rs140993769, gnomAD 0.07%). This variant has not been reported in the literature in individuals affected with ADAMTS17-related conditions. ClinVar contains an entry for this variant (Variation ID: 1313461). Algorithms developed to predict the effect of missense changes on protein structure and function output the following: SIFT: "Not Available"; PolyPhen-2: "Benign"; Align-GVGD: "Not Available". The histidine amino acid residue is found in multiple mammalian species, which suggests that this missense change does not adversely affect protein function. In summary, the available evidence is currently insufficient to determine the role of this variant in disease. Therefore, it has been classified as a Variant of Uncertain Significance.

GeneDx
Classification: Uncertain significance. Last evaluated: 2020-10-27. Review status: criteria provided, single submitter. Criteria: GeneDx Variant Classification Process June 2021. Collection method: clinical testing. Allele origin: germline. Affected: yes.
Comment: In silico analysis supports that this missense variant has a deleterious effect on protein structure/function; Has not been previously published as pathogenic or benign to our knowledge